The following is an entry in ClinVar:

NM_006506.5(RASA2):c.1024A>G (p.Ile342Val)

Gene: RASA2 (RAS p21 protein activator 2; plus strand). Cytogenetic location: 3q23.
Variant type: single nucleotide variant.
Coding change: c.1024A>G on transcript NM_006506.5 (MANE Select); coding-DNA position 1024, A replaced by G.
Protein change: p.Ile342Val; replaces isoleucine 342 with valine.
Molecular consequence: missense variant.
Genome position (GRCh38, 1-based): chr3:141,571,409, A>G. VCF-style: chr3-141571409-A-G. GRCh37 (hg19) VCF-style: chr3-141290251-A-G.
Other names: c.1024A>G (NM_006506.2); c.1024A>G, p.Ile342Val (NM_001303245.3, NM_001303246.3); short protein forms I342V.
Identifiers: ClinVar variation 1390628 (VCV001390628.9), dbSNP rs372916137, ClinGen allele CA2645408.

ClinVar aggregate classification (germline): Uncertain significance. Review status: criteria provided, multiple submitters, no conflicts (2 of 4 stars). 2 submissions from 2 submitters: Uncertain significance (2). Last evaluated 2024-10-16.

Allele frequency attached by ClinVar (database versions not stated): gnomAD exomes below 0.00001; TOPMed below 0.00001; ExAC 0.00002; ESP Exome Variant Server 0.00008.
gnomAD v4.1: 3 of 1,611,856 alleles (0.00019%); highest among the groups gnomAD compares: Non-Finnish European, 0.00025%; no homozygotes.

Submissions (2):

Labcorp Genetics (formerly Invitae), Labcorp
Classification: Uncertain significance. Last evaluated: 2024-10-16. Review status: criteria provided, single submitter. Criteria: Invitae Variant Classification Sherloc (09022015). Collection method: clinical testing. Allele origin: germline.
Comment: This sequence change replaces isoleucine, which is neutral and non-polar, with valine, which is neutral and non-polar, at codon 342 of the RASA2 protein (p.Ile342Val). This variant is present in population databases (rs372916137, gnomAD 0.002%). This variant has not been reported in the literature in individuals affected with RASA2-related conditions. ClinVar contains an entry for this variant (Variation ID: 1390628). Invitae Evidence Modeling of protein sequence and biophysical properties (such as structural, functional, and spatial information, amino acid conservation, physicochemical variation, residue mobility, and thermodynamic stability) indicates that this missense variant is not expected to disrupt RASA2 protein function with a negative predictive value of 80%. In summary, the available evidence is currently insufficient to determine the role of this variant in disease. Therefore, it has been classified as a Variant of Uncertain Significance.

Ambry Genetics
Classification: Uncertain significance. Last evaluated: 2023-12-29. Review status: criteria provided, single submitter. Criteria: Ambry Variant Classification Scheme 2023. Collection method: clinical testing. Allele origin: germline.
Comment: The p.I342V variant (also known as c.1024A>G), located in coding exon 11 of the RASA2 gene, results from an A to G substitution at nucleotide position 1024. The isoleucine at codon 342 is replaced by valine, an amino acid with highly similar properties. This amino acid position is conserved. In addition, this alteration is predicted to be tolerated by in silico analysis. Since supporting evidence is limited at this time, the clinical significance of this alteration remains unclear.